The following is an entry in ClinVar:

NM_001378615.1(CC2D2A):c.123+522G>T

Genes: CC2D2A (coiled-coil and C2 domain containing 2A; plus strand), FBXL5 (F-box and leucine rich repeat protein 5; minus strand). Cytogenetic location: 4p15.32.
Variant type: single nucleotide variant.
Coding change: c.123+522G>T on transcript NM_001378615.1 (MANE Select); 522 bases into the intron after coding-DNA position 123, G replaced by T.
Molecular consequence: intron variant. On other transcripts: 5 prime UTR variant (1), missense variant (1).
Genome position (GRCh38, 1-based): chr4:15,479,328, G>T. VCF-style: chr4-15479328-G-T. GRCh37 (hg19) VCF-style: chr4-15480952-G-T.
Other names: c.-25G>T (NM_001378617.1); c.229G>T, p.Ala77Ser (NM_020785.2); c.123+522G>T (NM_001080522.2, NM_001164720.3); short protein forms A77S.
Identifiers: ClinVar variation 4978287 (VCV004978287.1).

ClinVar aggregate classification (germline): Uncertain significance (1 of 4 stars; one submission).

Conditions:
CC2D2A-related disorder. Also called: CC2D2A-related condition; CC2D2A-related disorders. Identifiers: MedGen CN239313.

gnomAD v4.1: 48 of 1,535,638 alleles (0.0031%); highest among the groups gnomAD compares: Non-Finnish European, 0.0039%; no homozygotes.

Submission:

PreventionGenetics, part of Exact Sciences
Classification: Uncertain significance for CC2D2A-related condition. Last evaluated: 2026-05-08. Review status: criteria provided, single submitter. Criteria: ACMG Guidelines, 2015. Collection method: clinical testing. Allele origin: germline.
Comment: The CC2D2A c.229G>T variant is predicted to result in the amino acid substitution p.Ala77Ser. Note that in the primary transcript listed in the Human Gene Mutation Database, this variant is deep intronic (c.123+522G>T, NM_001080522). To our knowledge, this variant has not been reported in the literature. This variant is reported in 0.0014% of alleles in individuals of European (Non-Finnish) descent in gnomAD. At this time, the clinical significance of this variant is uncertain due to the absence of conclusive functional and genetic evidence.